The following is an entry in ClinVar:

NM_001005242.3(PKP2):c.349G>A (p.Ala117Thr)

Gene: PKP2 (plakophilin 2; minus strand). Cytogenetic location: 12p11.21.
Variant type: single nucleotide variant.
Coding change: c.349G>A on transcript NM_001005242.3 (MANE Select); coding-DNA position 349, G replaced by A.
Protein change: p.Ala117Thr; replaces alanine 117 with threonine.
Molecular consequence: missense variant.
Genome position (GRCh38, 1-based): chr12:32,878,531, C>T on the plus strand (G>A on the coding strand, the complement: PKP2 is on the minus strand). VCF-style: chr12-32878531-C-T. GRCh37 (hg19) VCF-style: chr12-33031465-C-T.
Other names: c.349G>A, p.Ala117Thr (NM_001407155.1, NM_001407156.1, NM_001407157.1 and 2 more transcripts); c.22G>A, p.Ala8Thr (NM_001407158.1, NM_001407159.1, NM_001407160.1 and 1 more transcripts); short protein forms A117T, A8T.
Identifiers: ClinVar variation 3307105 (VCV003307105.2).

ClinVar aggregate classification (germline): Uncertain significance (1 of 4 stars; one submission).

Conditions:
Cardiovascular phenotype. Identifiers: MedGen CN230736.

gnomAD v4.1: 1 of 1,611,696 alleles (0.000062%); highest among the groups gnomAD compares: South Asian, 0.0011%; no homozygotes.

Submission:

Ambry Genetics
Classification: Uncertain significance for Cardiovascular phenotype. Last evaluated: 2024-09-08. Review status: criteria provided, single submitter. Criteria: Ambry Variant Classification Scheme 2023. Collection method: clinical testing. Allele origin: germline.
Comment: The p.A117T variant (also known as c.349G>A), located in coding exon 3 of the PKP2 gene, results from a G to A substitution at nucleotide position 349. The alanine at codon 117 is replaced by threonine, an amino acid with similar properties. This amino acid position is conserved. In addition, this alteration is predicted to be tolerated by in silico analysis. Based on the available evidence, the clinical significance of this variant remains unclear.